The following is an entry in ClinVar:

ClinVar aggregate classification (germline): Likely benign. Review status: criteria provided, multiple submitters, no conflicts (2 of 4 stars). 2 submissions from 2 submitters: Likely benign (2). Last evaluated 2025-04-18.

Conditions:
SLC5A7-related disorder. Also called: SLC5A7-related condition.
Neuronopathy, distal hereditary motor, type 7A. Also called: Neuronopathy, distal hereditary motor, type viia; HARPER-YOUNG MYOPATHY; HMN VIIA; SPINAL MUSCULAR ATROPHY, DISTAL, WITH VOCAL CORD PARALYSIS; NEURONOPATHY, DISTAL HEREDITARY MOTOR, HARDING TYPE VIIA; NEUROPATHY, DISTAL HEREDITARY MOTOR, HARDING TYPE VIIA. Identifiers: Orphanet 139589, MedGen C1834703, MONDO:0008024, OMIM 158580.
Congenital myasthenic syndrome 20. Also called: Myasthenic syndrome, congenital, 20, presynaptic. Identifiers: MedGen C4310694, MONDO:0014939, OMIM 617143.

Allele frequency attached by ClinVar (database versions not stated): TOPMed below 0.00001; ExAC 0.00002; gnomAD 0.00002; gnomAD exomes 0.00002; ESP Exome Variant Server 0.00008.
gnomAD v4.1: 33 of 1,606,908 alleles (0.0021%); highest among the groups gnomAD compares: Non-Finnish European, 0.0026%; no homozygotes.

Submissions (2):

Labcorp Genetics (formerly Invitae), Labcorp
Classification: Likely benign for Neuronopathy, distal hereditary motor, type 7A; Congenital myasthenic syndrome 20. Last evaluated: 2025-04-18. Review status: criteria provided, single submitter. Criteria: Invitae Variant Classification Sherloc (09022015). Collection method: clinical testing. Allele origin: germline.

PreventionGenetics, part of Exact Sciences
Classification: Likely benign for SLC5A7-related condition. Last evaluated: 2025-03-12. Review status: criteria provided, single submitter. Criteria: ACMG Guidelines, 2015. Collection method: clinical testing. Allele origin: germline.
Comment: This variant is classified as likely benign based on ACMG/AMP sequence variant interpretation guidelines (Richards et al. 2015 PMID: 25741868, with internal and published modifications).

NM_021815.5(SLC5A7):c.597+7G>A

Gene: SLC5A7 (solute carrier family 5 member 7; plus strand). Cytogenetic location: 2q12.3.
Variant type: single nucleotide variant.
Coding change: c.597+7G>A on transcript NM_021815.5 (MANE Select); 7 bases into the intron after coding-DNA position 597, G replaced by A.
Molecular consequence: intron variant.
Genome position (GRCh38, 1-based): chr2:107,997,993, G>A. VCF-style: chr2-107997993-G-A. GRCh37 (hg19) VCF-style: chr2-108614449-G-A.
Other names: c.-108+7G>A (NM_001305007.3); c.597+7G>A (NM_001305005.3, NM_021815.4); c.282+7G>A (NM_001305006.3).
Identifiers: ClinVar variation 706855 (VCV000706855.11), dbSNP rs377267197, ClinGen allele CA1819001.